The following is an entry in ClinVar:

ClinVar aggregate classification (germline): Benign/Likely benign. Review status: criteria provided, multiple submitters, no conflicts (2 of 4 stars). 6 submissions from 6 submitters: Benign (5); Likely benign (1). Last evaluated 2026-01-26.

Conditions:
Acrocallosal syndrome (ACLS). Also called: Schinzel syndrome 1; Absence of corpus callosum with unusual facial appearance, mental deficiency, duplication of the halluces and polydactyly; HALLUX DUPLICATION, POSTAXIAL POLYDACTYLY, AND ABSENCE OF CORPUS CALLOSUM. Identifiers: Orphanet 36, MedGen C0796147, MONDO:0008708, OMIM 200990.

Allele frequency attached by ClinVar (database versions not stated): gnomAD 0.00439 and 0.00465; ESP Exome Variant Server 0.00483; TOPMed 0.00508; 1000 Genomes Project 30x 0.00515; 1000 Genomes Project 0.00559; gnomAD exomes 0.00041 and 0.00101; ExAC 0.00223.
gnomAD v4.1: 1,246 of 1,543,440 alleles (0.081%); highest among the groups gnomAD compares: African/African-American, 1.5%; 12 homozygotes.

Submissions (6):

Labcorp Genetics (formerly Invitae), Labcorp
Classification: Benign for Acrocallosal syndrome. Last evaluated: 2026-01-26. Review status: criteria provided, single submitter. Criteria: Invitae Variant Classification Sherloc (09022015). Collection method: clinical testing. Allele origin: germline.

Blueprint Genetics
Classification: Likely benign. Last evaluated: 2024-10-24. Review status: criteria provided, single submitter. Criteria: ACMG Guidelines, 2015. Collection method: clinical testing. Allele origin: germline.

GeneDx
Classification: Benign. Last evaluated: 2019-01-08. Review status: criteria provided, single submitter. Criteria: GeneDx Variant Classification Process June 2021. Collection method: clinical testing. Allele origin: germline. Affected: yes.

Illumina Laboratory Services, Illumina
Classification: Benign for Acrocallosal syndrome. Last evaluated: 2018-01-13. Review status: criteria provided, single submitter. Criteria: ICSL Variant Classification Criteria 13 December 2019. Collection method: clinical testing. Allele origin: germline.
Comment: This variant was observed in the ICSL laboratory as part of a predisposition screen in an ostensibly healthy population. It had not been previously curated by ICSL or reported in the Human Gene Mutation Database (HGMD: prior to June 1st, 2018), and was therefore a candidate for classification through an automated scoring system. Utilizing variant allele frequency, disease prevalence and penetrance estimates, and inheritance mode, an automated score was calculated to assess if this variant is too frequent to cause the disease. Based on the score and internal cut-off values, a variant classified as benign is not then subjected to further curation. The score for this variant resulted in a classification of benign for this disease.

Breakthrough Genomics
Classification: Benign. Review status: criteria provided, single submitter. Criteria: ACMG Guidelines, 2015. Collection method: not provided. Allele origin: germline. Inheritance: Autosomal recessive inheritance. Affected: yes.

PreventionGenetics, part of Exact Sciences
Classification: Benign. Review status: criteria provided, single submitter. Criteria: ACMG Guidelines, 2015. Collection method: clinical testing. Allele origin: germline.

NM_198525.3(KIF7):c.294A>G (p.Ser98=)

Gene: KIF7 (kinesin family member 7; minus strand). Cytogenetic location: 15q26.1.
Variant type: single nucleotide variant.
Coding change: c.294A>G on transcript NM_198525.3 (MANE Select); coding-DNA position 294, A replaced by G.
Protein change: p.Ser98=; no amino-acid change (serine 98 retained).
Molecular consequence: synonymous variant.
Genome position (GRCh38, 1-based): chr15:89,652,637, T>C on the plus strand (A>G on the coding strand, the complement: KIF7 is on the minus strand). VCF-style: chr15-89652637-T-C. GRCh37 (hg19) VCF-style: chr15-90195868-T-C.
Identifiers: ClinVar variation 263144 (VCV000263144.19), dbSNP rs145049849, ClinGen allele CA7728664.